The following is an entry in ClinVar:

NM_000090.4(COL3A1):c.2770G>T (p.Gly924Cys)

Gene: COL3A1 (collagen type III alpha 1 chain; plus strand). Cytogenetic location: 2q32.2.
Variant type: single nucleotide variant.
Coding change: c.2770G>T on transcript NM_000090.4 (MANE Select); coding-DNA position 2770, G replaced by T.
Protein change: p.Gly924Cys; replaces glycine 924 with cysteine.
Molecular consequence: missense variant.
Genome position (GRCh38, 1-based): chr2:189,004,090, G>T. VCF-style: chr2-189004090-G-T. GRCh37 (hg19) VCF-style: chr2-189868816-G-T.
Identifiers: ClinVar variation 101165 (VCV000101165.5), dbSNP rs587779471, ClinGen allele CA005659.

ClinVar aggregate classification (germline): Likely pathogenic. Review status: criteria provided, multiple submitters, no conflicts (2 of 4 stars). 3 submissions from 3 submitters: Likely pathogenic (2). 1 of the submissions does not count toward it. Last evaluated 2024-10-07.

Conditions:
Familial thoracic aortic aneurysm and aortic dissection (TAAD). Also called: Thoracic aortic aneurysms and dissections. Identifiers: Orphanet 91387, MedGen C4707243, MONDO:0019625.
Ehlers-Danlos syndrome, type 4 (EDSVASC). Also called: Ehlers-Danlos syndrome vascular type; Ehlers Danlos syndrome, ecchymotic type; Ehlers Danlos syndrome, arterial type; Ehlers Danlos syndrome, Sack-Barabas type; Ehlers-Danlos Syndrome Type IV. Identifiers: Orphanet 286, MedGen C0268338, MONDO:0017314, OMIM 130050.

Submissions (3):

GeneDx
Classification: Likely pathogenic. Last evaluated: 2024-10-07. Review status: criteria provided, single submitter. Criteria: GeneDx Variant Classification Process June 2021. Collection method: clinical testing. Allele origin: germline. Affected: yes.
Comment: Occurs in the triple helical domain and replaces the glycine in the canonical Gly-X-Y repeat; missense substitution of a canonical glycine residue is expected to disrupt normal protein folding and function, and this is an established mechanism of disease (HGMD); Not observed at significant frequency in large population cohorts (gnomAD); In silico analysis supports that this missense variant has a deleterious effect on protein structure/function; Has not been previously published as pathogenic or benign to our knowledge; This variant is associated with the following publications: (PMID: 10706896)

Ambry Genetics
Classification: Likely pathogenic for Familial thoracic aortic aneurysm and aortic dissection. Last evaluated: 2018-09-17. Review status: criteria provided, single submitter. Criteria: Ambry Variant Classification Scheme 2023. Collection method: clinical testing. Allele origin: germline.
Comment: The p.G924C variant (also known as c.2770G>T), located in coding exon 39 of the COL3A1 gene, results from a G to T substitution at nucleotide position 2770. The glycine at codon 924 is replaced by cysteine, an amino acid with highly dissimilar properties. The majority (approximately two-thirds) of COL3A1 mutations identified to date have involved the substitution of another amino acid for glycine within the triple-helical domain (Pepin MG et al. Genet Med. 2014;16(12):881-8; Frank M et al. Eur J Hum Genet. 2015;23(12):1657-64). This particular alteration has been detected in a vascular Ehlers-Danlos syndrome (EDS) cohort; however, clinical details were limited (Pepin M et al. N. Engl. J. Med., 2000;342:673-80; Pepin MG et al. Genet. Med., 2014;16:881-8). Internal structural analysis indicates that this alteration disrupts the characteristic G-X-Y motif in the COL3A1 protein and inserts a bulky side chain into a sterically-constrained region (Bella J et al. Science. 1994;266:75-81; Hohenester E et al. Proc. Natl. Acad. Sci. U.S.A. 2008;105:18273-7; Ambry internal data). In addition, other alterations in the same codon (G924S (c.2770G>A), G924V (c.2771G>T), and G924D (c.2771G>A)) have also been reported in vascular EDS cohorts or in patients with vascular EDS (Pepin MG et al. Genet. Med., 2014;16:881-8; Weerakkody RA et al. Genet. Med., 2016 11;18:1119-1127). This amino acid position is highly conserved in available vertebrate species. In addition, this alteration is predicted to be deleterious by in silico analysis. Based on the majority of available evidence to date, this variant is likely to be pathogenic.

Collagen Diagnostic Laboratory, University of Washington
Classification: Pathogenic for Ehlers-Danlos syndrome, type 4. Review status: no assertion criteria provided. Collection method: clinical testing. Allele origin: germline. Affected: yes. Not counted in ClinVar's aggregate classification.

Literature cited by the submitters: PubMed 10706896 (cited by Ambry Genetics and Collagen Diagnostic Laboratory, University of Washington); PubMed 24922459 (cited by Ambry Genetics); PubMed 27011056 (cited by Ambry Genetics).